The following is an entry in ClinVar:

NM_000382.3(ALDH3A2):c.639A>G (p.Pro213=)

Gene: ALDH3A2 (aldehyde dehydrogenase 3 family member A2; plus strand). Cytogenetic location: 17p11.2.
Variant type: single nucleotide variant.
Coding change: c.639A>G on transcript NM_000382.3 (MANE Select); coding-DNA position 639, A replaced by G.
Protein change: p.Pro213=; no amino-acid change (proline 213 retained).
Molecular consequence: synonymous variant.
Genome position (GRCh38, 1-based): chr17:19,656,533, A>G. VCF-style: chr17-19656533-A-G. GRCh37 (hg19) VCF-style: chr17-19559846-A-G.
Other names: c.639A>G, p.Pro213= (NM_001031806.2, NM_001369136.1, NM_001369137.2 and 3 more transcripts); c.60A>G, p.Pro20= (NM_001369148.2).
Identifiers: ClinVar variation 756538 (VCV000756538.31), dbSNP rs140649688, ClinGen allele CA8442862.

ClinVar aggregate classification (germline): Conflicting classifications of pathogenicity. Review status: criteria provided, conflicting classifications (1 of 4 stars). 5 submissions from 5 submitters: Uncertain significance (1); Likely benign (3). 1 of the submissions does not count toward it. Last evaluated 2026-01-28.

Conditions:
Sjögren-Larsson syndrome (SLS). Also called: FALDH DEFICIENCY; FATTY ALCOHOL:NAD+ OXIDOREDUCTASE DEFICIENCY; FATTY ALDEHYDE DEHYDROGENASE DEFICIENCY; ICHTHYOSIS, SPASTIC NEUROLOGIC DISORDER, AND OLIGOPHRENIA. Identifiers: Orphanet 816, MedGen C0037231, MONDO:0010031, OMIM 270200.

Allele frequency attached by ClinVar (database versions not stated): ExAC 0.00009; gnomAD exomes 0.00009 and 0.00024; TOPMed 0.00011; gnomAD 0.00013 and 0.00014; ESP Exome Variant Server 0.00015.
gnomAD v4.1: 384 of 1,613,936 alleles (0.024%); highest among the groups gnomAD compares: Non-Finnish European, 0.028%; no homozygotes.

Submissions (5):

Labcorp Genetics (formerly Invitae), Labcorp
Classification: Likely benign. Last evaluated: 2026-01-28. Review status: criteria provided, single submitter. Criteria: Invitae Variant Classification Sherloc (09022015). Collection method: clinical testing. Allele origin: germline.

CeGaT Center for Human Genetics Tuebingen
Classification: Likely benign. Last evaluated: 2024-11-01. Review status: criteria provided, single submitter. Criteria: CeGaT Center For Human Genetics Tuebingen Variant Classification Criteria Version 2. Collection method: clinical testing. Allele origin: germline. Affected: yes. Observed: 2 variant alleles.
Comment: ALDH3A2: BP4, BP7

Blueprint Genetics
Classification: Likely benign. Last evaluated: 2024-04-26. Review status: criteria provided, single submitter. Criteria: ACMG Guidelines, 2015. Collection method: clinical testing. Allele origin: germline.

Illumina Laboratory Services, Illumina
Classification: Uncertain significance for Sjögren-Larsson syndrome. Last evaluated: 2018-01-13. Review status: criteria provided, single submitter. Criteria: ICSL Variant Classification Criteria 13 December 2019. Collection method: clinical testing. Allele origin: germline.

Natera, Inc.
Classification: Uncertain significance for SjÃ¶gren-Larsson syndrome. Last evaluated: 2020-01-24. Review status: no assertion criteria provided. Collection method: clinical testing. Allele origin: germline. Not counted in ClinVar's aggregate classification.